The following is an entry in ClinVar:

ClinVar aggregate classification (germline): Uncertain significance. Review status: criteria provided, multiple submitters, no conflicts (2 of 4 stars). 3 submissions from 3 submitters: Uncertain significance (2). 1 of the submissions does not count toward it. Last evaluated 2025-03-17.

Conditions:
Retinitis pigmentosa (RP). Identifiers: Orphanet 791, MedGen C0035334, MeSH D012174, MONDO:0019200, OMIM 268000. Inheritance: Autosomal dominant, autosomal recessive and X linked inheritance.

Allele frequency attached by ClinVar (database versions not stated): ExAC below 0.00001; TOPMed 0.00001; ESP Exome Variant Server 0.00008.
gnomAD v4.1: 27 of 1,581,982 alleles (0.0017%); highest among the groups gnomAD compares: Non-Finnish European, 0.0023%; no homozygotes.

Submissions (3):

Labcorp Genetics (formerly Invitae), Labcorp
Classification: Uncertain significance. Last evaluated: 2025-03-17. Review status: criteria provided, single submitter. Criteria: Invitae Variant Classification Sherloc (09022015). Collection method: clinical testing. Allele origin: germline.
Comment: This sequence change replaces arginine, which is basic and polar, with tryptophan, which is neutral and slightly polar, at codon 408 of the PRPF31 protein (p.Arg408Trp). The frequency data for this variant in the population databases is considered unreliable, as metrics indicate poor data quality at this position in the gnomAD database. This missense change has been observed in individuals with PRPF31-related conditions (PMID: 28512305, 29260190, 36317469). ClinVar contains an entry for this variant (Variation ID: 636190). An algorithm developed to predict the effect of missense changes on protein structure and function (PolyPhen-2) suggests that this variant is likely to be disruptive. In summary, the available evidence is currently insufficient to determine the role of this variant in disease. Therefore, it has been classified as a Variant of Uncertain Significance.

Blueprint Genetics
Classification: Uncertain significance. Last evaluated: 2024-04-30. Review status: criteria provided, single submitter. Criteria: ACMG Guidelines, 2015. Collection method: clinical testing. Allele origin: germline.

Department of Clinical Genetics, Copenhagen University Hospital, Rigshospitalet
Classification: Uncertain significance for Retinitis pigmentosa. Last evaluated: 2018-04-01. Review status: no assertion criteria provided. Collection method: research. Allele origin: unknown. Affected: yes. Study: VeluxRD. Not counted in ClinVar's aggregate classification.

Literature cited by the submitters: PubMed 28512305 (cited by Labcorp Genetics (formerly Invitae), Labcorp); PubMed 29260190 (cited by Labcorp Genetics (formerly Invitae), Labcorp); PubMed 36317469 (cited by Labcorp Genetics (formerly Invitae), Labcorp); PubMed 30718709 (cited by Department of Clinical Genetics, Copenhagen University Hospital, Rigshospitalet).

NM_015629.4(PRPF31):c.1222C>T (p.Arg408Trp)

Gene: PRPF31 (pre-mRNA processing factor 31; plus strand). Cytogenetic location: 19q13.42.
Variant type: single nucleotide variant.
Coding change: c.1222C>T on transcript NM_015629.4 (MANE Select); coding-DNA position 1222, C replaced by T.
Protein change: p.Arg408Trp; replaces arginine 408 with tryptophan.
Molecular consequence: missense variant.
Genome position (GRCh38, 1-based): chr19:54,129,132, C>T. VCF-style: chr19-54129132-C-T. GRCh37 (hg19) VCF-style: chr19-54632507-C-T.
Other names: short protein forms R408W.
Identifiers: ClinVar variation 636190 (VCV000636190.9), dbSNP rs367896277, ClinGen allele CA309330562.